The following is an entry in ClinVar:

ClinVar aggregate classification (germline): Pathogenic. Review status: criteria provided, multiple submitters, no conflicts (2 of 4 stars). 2 submissions from 2 submitters: Pathogenic (2). Last evaluated 2023-08-27.

Conditions:
Pitt-Hopkins syndrome (PTHS). Also called: ENCEPHALOPATHY, SEVERE EPILEPTIC, WITH AUTONOMIC DYSFUNCTION; MENTAL RETARDATION, SYNDROMAL, WITH INTERMITTENT HYPERVENTILATION. Identifiers: Orphanet 2896, MedGen C1970431, MONDO:0012589, OMIM 610954.

Submissions (2):

GeneDx
Classification: Pathogenic. Last evaluated: 2023-08-27. Review status: criteria provided, single submitter. Criteria: GeneDx Variant Classification Process June 2021. Collection method: clinical testing. Allele origin: germline. Affected: yes.
Comment: Identified in an individual with childhood epilepsy (Truty et al., 2019); Frameshift variant predicted to result in protein truncation or nonsense mediated decay in a gene for which loss of function is a known mechanism of disease; Not observed at significant frequency in large population cohorts (gnomAD); This variant is associated with the following publications: (PMID: 31440721)

Labcorp Genetics (formerly Invitae), Labcorp
Classification: Pathogenic for Pitt-Hopkins syndrome. Last evaluated: 2018-05-01. Review status: criteria provided, single submitter. Criteria: Invitae Variant Classification Sherloc (09022015). Collection method: clinical testing. Allele origin: germline.
Comment: This sequence change creates a premature translational stop signal (p.Ser510Alafs*25) in the TCF4 gene. It is expected to result in an absent or disrupted protein product. This variant is not present in population databases (ExAC no frequency). This variant has not been reported in the literature in individuals with TCF4-related disease. Loss-of-function variants in TCF4 are known to be pathogenic (PMID: 18728071, 22045651). For these reasons, this variant has been classified as Pathogenic.

Literature cited by the submitters: PubMed 18728071 (cited by Labcorp Genetics (formerly Invitae), Labcorp); PubMed 22045651 (cited by Labcorp Genetics (formerly Invitae), Labcorp).

NM_001083962.2(TCF4):c.1527del (p.Ser510fs)

Gene: TCF4 (transcription factor 4; minus strand). Cytogenetic location: 18q21.2.
Variant type: Deletion.
Coding change: c.1527del on transcript NM_001083962.2 (MANE Select); coding-DNA position 1527, one base deleted (C; older notation c.1527delC).
Protein change: p.Ser510fs; shifts the reading frame from serine 510.
Molecular consequence: frameshift variant.
Genome position (GRCh38, 1-based): chr18:55,232,631, G deleted on the plus strand (C on the coding strand, the reverse complement: TCF4 is on the minus strand). VCF-style (leftmost placement, unchanged base first): chr18-55232630-TG-T. GRCh37 (hg19) VCF-style: chr18-52899861-TG-T.
Other names: c.1527delC (NM_001083962.1); c.1833del, p.Ser612fs (NM_001243226.3); c.1455del, p.Ser486fs (NM_001243227.2, NM_001306207.1, NM_001348217.1 and 5 more transcripts); c.1545del, p.Ser516fs (NM_001243228.2); c.1518del, p.Ser507fs (NM_001243230.2); c.1401del, p.Ser468fs (NM_001243231.2, NM_001348211.2); c.1314del, p.Ser439fs (NM_001243232.1, NM_001306208.1); c.1137del, p.Ser380fs (NM_001243233.2, NM_001330605.3, NM_001348212.2 and 1 more transcripts); and 8 more; short protein forms S349fs, S380fs, S439fs, S487fs, S509fs, S510fs, S516fs, S485fs.
Identifiers: ClinVar variation 574899 (VCV000574899.3), dbSNP rs1568331766, ClinGen allele CA891844130.
Genomic context (GRCh38, chr18:55,232,630, plus strand): 5'-CCGAAGATTTCGTGTCTTGCAGGTTCTCATCACCCTCGTCATCGGATTTGATCTCAGAGC[TG>T]CCAGAGGAGACACTCTGCCCCTGTAGTCCTGGTGGCATGCCTGCCGAAAAAGAGAAATCA-3'